The following is an entry in ClinVar:

ClinVar aggregate classification (germline): Uncertain significance (1 of 4 stars; one submission).

Conditions:
VPS13B-related disorder. Also called: VPS13B-related condition.

Submission:

PreventionGenetics, part of Exact Sciences
Classification: Uncertain significance for VPS13B-related condition. Last evaluated: 2025-08-24. Review status: criteria provided, single submitter. Criteria: ACMG Guidelines, 2015. Collection method: clinical testing. Allele origin: germline.
Comment: The VPS13B c.7475C>T variant is predicted to result in the amino acid substitution p.Pro2492Leu. To our knowledge, this variant has not been reported in the literature or in a large population database (gnomAD), indicating this variant is rare. At this time, the clinical significance of this variant is uncertain due to the absence of conclusive functional and genetic evidence.

NM_152564.5(VPS13B):c.7475C>T (p.Pro2492Leu)

Gene: VPS13B (vacuolar protein sorting 13 homolog B; plus strand). Cytogenetic location: 8q22.2.
Variant type: single nucleotide variant.
Coding change: c.7475C>T on transcript NM_152564.5 (MANE Select); coding-DNA position 7475, C replaced by T.
Protein change: p.Pro2492Leu; replaces proline 2492 with leucine.
Molecular consequence: missense variant.
Genome position (GRCh38, 1-based): chr8:99,778,727, C>T. VCF-style: chr8-99778727-C-T. GRCh37 (hg19) VCF-style: chr8-100790955-C-T.
Other names: c.7550C>T, p.Pro2517Leu (NM_017890.5); short protein forms P2492L, P2517L.
Identifiers: ClinVar variation 4993002 (VCV004993002.1).